The following is an entry in ClinVar:

ClinVar aggregate classification (germline): Likely benign. Review status: criteria provided, multiple submitters, no conflicts (2 of 4 stars). 3 submissions from 3 submitters: Likely benign (3). Last evaluated 2025-07-01.

Conditions:
Cowden syndrome 6 (CWS6). Identifiers: Orphanet 201, MedGen C3554519, MONDO:0014048, OMIM 615109.
Inborn genetic diseases. Identifiers: MedGen C0950123, MeSH D030342.

Allele frequency attached by ClinVar (database versions not stated): gnomAD exomes 0.00001 and 0.00002; gnomAD 0.00003 and 0.00004; TOPMed 0.00005; ExAC 0.00002.
gnomAD v4.1: 16 of 1,613,772 alleles (0.00099%); highest among the groups gnomAD compares: African/African-American, 0.0093%; no homozygotes.

Submissions (3):

CeGaT Center for Human Genetics Tuebingen
Classification: Likely benign. Last evaluated: 2025-07-01. Review status: criteria provided, single submitter. Criteria: CeGaT Center For Human Genetics Tuebingen Variant Classification Criteria Version 2. Collection method: clinical testing. Allele origin: germline. Affected: yes. Observed: 1 variant allele.
Comment: AKT1: BP4, BP7

Ambry Genetics
Classification: Likely benign for Inborn genetic diseases. Last evaluated: 2022-03-08. Review status: criteria provided, single submitter. Criteria: Ambry Variant Classification Scheme 2023. Collection method: clinical testing. Allele origin: germline.

Labcorp Genetics (formerly Invitae), Labcorp
Classification: Likely benign for Cowden syndrome 6. Last evaluated: 2019-05-29. Review status: criteria provided, single submitter. Criteria: Invitae Variant Classification Sherloc (09022015). Collection method: clinical testing. Allele origin: germline.

NM_001382430.1(AKT1):c.444C>T (p.Asn148=)

Gene: AKT1 (AKT serine/threonine kinase 1; minus strand). Cytogenetic location: 14q32.33.
Variant type: single nucleotide variant.
Coding change: c.444C>T on transcript NM_001382430.1 (MANE Select); coding-DNA position 444, C replaced by T.
Protein change: p.Asn148=; no amino-acid change (asparagine 148 retained).
Molecular consequence: synonymous variant.
Genome position (GRCh38, 1-based): chr14:104,775,199, G>A on the plus strand (C>T on the coding strand, the complement: AKT1 is on the minus strand). VCF-style: chr14-104775199-G-A. GRCh37 (hg19) VCF-style: chr14-105241536-G-A.
Other names: c.444C>T, p.Asn148= (NM_001014431.2, NM_001014432.2, NM_001382431.1 and 3 more transcripts).
Identifiers: ClinVar variation 1154574 (VCV001154574.19), dbSNP rs752894366, ClinGen allele CA7374772.